The following is an entry in ClinVar:

NM_000540.3(RYR1):c.11443A>T (p.Met3815Leu)

Gene: RYR1 (ryanodine receptor 1; plus strand). Cytogenetic location: 19q13.2.
Variant type: single nucleotide variant.
Coding change: c.11443A>T on transcript NM_000540.3 (MANE Select); coding-DNA position 11443, A replaced by T.
Protein change: p.Met3815Leu; replaces methionine 3815 with leucine.
Molecular consequence: missense variant.
Genome position (GRCh38, 1-based): chr19:38,535,319, A>T. VCF-style: chr19-38535319-A-T. GRCh37 (hg19) VCF-style: chr19-39025959-A-T.
Other names: c.11428A>T, p.Met3810Leu (NM_001042723.2); short protein forms M3815L, M3810L.
Identifiers: ClinVar variation 862882 (VCV000862882.13), dbSNP rs368909156, ClinGen allele CA056966.

ClinVar aggregate classification (germline): Conflicting classifications of pathogenicity. Review status: criteria provided, conflicting classifications (1 of 4 stars). 3 submissions from 3 submitters: Uncertain significance (1); Likely benign (2). Last evaluated 2025-12-16.

Conditions:
Malignant hyperthermia, susceptibility to, 1 (MHS1). Also called: Anesthesia related hyperthermia; Malignant hyperpyrexia; Fulminating hyperpyrexia; Pharmacogenic myopathy; Malignant hyperthermia suceptibility 1; RYR1-Related Malignant Hyperthermia Susceptibility. Identifiers: Orphanet 423, MedGen C2930980, MONDO:0007783, OMIM 145600.
RYR1-related disorder. Also called: RYR1-related condition; RYR1-related disorders. Identifiers: MedGen CN239331.

Allele frequency attached by ClinVar (database versions not stated): ExAC 0.00013; gnomAD exomes 0.00015; gnomAD 0.00002; TOPMed 0.00009.
gnomAD v4.1: 35 of 1,614,078 alleles (0.0022%); highest among the groups gnomAD compares: East Asian, 0.073%; no homozygotes.

Submissions (3):

Labcorp Genetics (formerly Invitae), Labcorp
Classification: Likely benign for RYR1-related disorder. Last evaluated: 2025-12-16. Review status: criteria provided, single submitter. Criteria: Invitae Variant Classification Sherloc (09022015). Collection method: clinical testing. Allele origin: germline.

GeneDx
Classification: Uncertain significance. Last evaluated: 2023-10-05. Review status: criteria provided, single submitter. Criteria: GeneDx Variant Classification Process June 2021. Collection method: clinical testing. Allele origin: germline.
Comment: Observed with another variant in RYR1 in an individual with a malignant hyperthermia-like event; however, the final diagnosis was not malignant hyperthermia and it was unknown whether the second variant was on the same allele (in cis) or on the opposite allele (in trans) (Yeh et al., 2021); In silico analysis supports that this missense variant has a deleterious effect on protein structure/function; This variant is associated with the following publications: (PMID: 32919876)

Color Diagnostics, LLC DBA Color Health
Classification: Likely benign for Malignant hyperthermia, susceptibility to, 1. Last evaluated: 2022-09-16. Review status: criteria provided, single submitter. Criteria: ACMG Guidelines, 2015. Collection method: clinical testing. Allele origin: germline.